The following is an entry in ClinVar:

NM_021035.3(ZNFX1):c.1551C>T (p.His517=)

Gene: ZNFX1 (zinc finger NFX1-type containing 1; minus strand). Cytogenetic location: 20q13.13.
Variant type: single nucleotide variant.
Coding change: c.1551C>T on transcript NM_021035.3 (MANE Select); coding-DNA position 1551, C replaced by T.
Protein change: p.His517=; no amino-acid change (histidine 517 retained).
Molecular consequence: synonymous variant.
Genome position (GRCh38, 1-based): chr20:49,270,261, G>A on the plus strand (C>T on the coding strand, the complement: ZNFX1 is on the minus strand). VCF-style: chr20-49270261-G-A. GRCh37 (hg19) VCF-style: chr20-47886798-G-A.
Identifiers: ClinVar variation 3778116 (VCV003778116.7).

ClinVar aggregate classification (germline): Likely benign (1 of 4 stars; one submission).

gnomAD v4.1: 113 of 1,613,910 alleles (0.007%); highest among the groups gnomAD compares: South Asian, 0.11%; 2 homozygotes.

Submission:

CeGaT Center for Human Genetics Tuebingen
Classification: Likely benign. Last evaluated: 2025-03-01. Review status: criteria provided, single submitter. Criteria: CeGaT Center For Human Genetics Tuebingen Variant Classification Criteria Version 2. Collection method: clinical testing. Allele origin: germline. Affected: yes. Observed: 1 variant allele.
Comment: ZNFX1: BP4, BP7